The following is an entry in ClinVar:

NM_000077.5(CDKN2A):c.164G>A (p.Gly55Asp)

Gene: CDKN2A (cyclin dependent kinase inhibitor 2A; minus strand). Cytogenetic location: 9p21.3.
Variant type: single nucleotide variant.
Coding change: c.164G>A on transcript NM_000077.5; coding-DNA position 164, G replaced by A.
Protein change: p.Gly55Asp; replaces glycine 55 with aspartic acid.
Molecular consequence: missense variant (on NM_000077.6). On other transcripts: synonymous variant (1), 3 prime UTR variant (1).
Genome position (GRCh38, 1-based): chr9:21,971,195, C>T on the plus strand (G>A on the coding strand, the complement: CDKN2A is on the minus strand). VCF-style: chr9-21971195-C-T. GRCh37 (hg19) VCF-style: chr9-21971194-C-T.
Other names: c.164G>A, p.Gly55Asp (NM_000077.6, NM_001195132.2); c.11G>A, p.Gly4Asp (NM_001363763.2); c.207G>A, p.Gly69= (NM_058195.4); c.*87G>A (NM_058197.5); short protein forms G4D, G55D.
Identifiers: ClinVar variation 833722 (VCV000833722.8), dbSNP rs561034503, ClinGen allele CA373086430.
Genomic context (GRCh38, chr9:21,971,195, plus strand): 5'-GGGTCGGCGCAGTTGGGCTCCGCGCCGTGGAGCAGCAGCAGCTCCGCCACTCGGGCGCTG[C>T]CCATCATCATGACCTGCCAGAGAGAACAGAATGGTCAGAGCCAGGGTGGGGGCCGGCATG-3'
Protein context (NP_000068.1, residues 45-65): GRRPIQVMMM[Gly55Asp]SARVAELLLL

ClinVar aggregate classification (germline): Pathogenic (1 of 4 stars; one submission).

Conditions:
Familial melanoma. Also called: Hereditary melanoma; Hereditary cutaneous melanoma. Identifiers: Orphanet 618, MedGen C1512419, MONDO:0018961.

Submission:

Labcorp Genetics (formerly Invitae), Labcorp
Classification: Pathogenic for Familial melanoma. Last evaluated: 2023-08-14. Review status: criteria provided, single submitter. Criteria: Invitae Variant Classification Sherloc (09022015). Collection method: clinical testing. Allele origin: germline.
Comment: For these reasons, this variant has been classified as Pathogenic. While the evidence indicates that this variant confers risk of developing CDKN2A (p16INK4a)-associated conditions, its association with risk for developing CDKN2A (p14ARF)-associated conditions is still unclear. An algorithm developed to predict the effect of missense changes on protein structure and function (PolyPhen-2) suggests that this variant is likely to be disruptive. ClinVar contains an entry for this variant (Variation ID: 833722). This variant is also known as c.207G>A (Silent) in CDKN2A (p14ARF) transcript. This missense change has been observed in individual(s) with clinical features of familial cutaneous melanoma (PMID: 29036293; Invitae). It has also been observed to segregate with disease in related individuals. This variant is not present in population databases (gnomAD no frequency). This sequence change replaces glycine, which is neutral and non-polar, with aspartic acid, which is acidic and polar, at codon 55 of the CDKN2A (p16INK4a) protein (p.Gly55Asp). The CDKN2A gene encodes two different proteins, p16INK4a and p14ARF, which are translated from alternative transcripts with different open reading frames. Both transcripts have been analyzed. We report either the variant with the higher classification or default to the CDKN2A (p16INK4a) variant. This report therefore includes the details for the CDKN2A (p16INK4a) variant.

Literature cited by the submitters: PubMed 29036293.